The following is an entry in ClinVar:

NM_004813.4(PEX16):c.817G>T (p.Glu273Ter)

Gene: PEX16 (peroxisomal biogenesis factor 16; minus strand). Cytogenetic location: 11p11.2.
Variant type: single nucleotide variant.
Coding change: c.817G>T on transcript NM_004813.4 (MANE Select); coding-DNA position 817, G replaced by T.
Protein change: p.Glu273Ter; replaces glutamic acid 273 with a stop codon.
Molecular consequence: nonsense.
Genome position (GRCh38, 1-based): chr11:45,913,889, C>A on the plus strand (G>T on the coding strand, the complement: PEX16 is on the minus strand). VCF-style: chr11-45913889-C-A. GRCh37 (hg19) VCF-style: chr11-45935440-C-A.
Other names: c.817G>T, p.Glu273Ter (NM_057174.3); short protein forms E273*.
Identifiers: ClinVar variation 2846416 (VCV002846416.3), dbSNP rs2494892546, ClinGen allele CA380226091.

ClinVar aggregate classification (germline): Pathogenic (1 of 4 stars; one submission).

Conditions:
Peroxisome biogenesis disorder. Identifiers: Orphanet 79189, MedGen C1832200, MONDO:0019234. Disease mechanism: loss of function.

Submission:

Labcorp Genetics (formerly Invitae), Labcorp
Classification: Pathogenic for Peroxisome biogenesis disorder. Last evaluated: 2025-03-11. Review status: criteria provided, single submitter. Criteria: Invitae Variant Classification Sherloc (09022015). Collection method: clinical testing. Allele origin: germline.
Comment: This sequence change creates a premature translational stop signal (p.Glu273*) in the PEX16 gene. It is expected to result in an absent or disrupted protein product. Loss-of-function variants in PEX16 are known to be pathogenic (PMID: 9837814, 11890679, 20647552, 20681997). This variant is not present in population databases (gnomAD no frequency). This variant has not been reported in the literature in individuals affected with PEX16-related conditions. ClinVar contains an entry for this variant (Variation ID: 2846416). For these reasons, this variant has been classified as Pathogenic.

Literature cited by the submitters: PubMed 9837814; PubMed 11890679; PubMed 20647552; PubMed 20681997.